The following is an entry in ClinVar:

NM_001377540.1(SLMAP):c.1790C>T (p.Ala597Val)

Gene: SLMAP (sarcolemma associated protein; plus strand). Cytogenetic location: 3p14.3.
Variant type: single nucleotide variant.
Coding change: c.1790C>T on transcript NM_001377540.1 (MANE Select); coding-DNA position 1790, C replaced by T.
Protein change: p.Ala597Val; replaces alanine 597 with valine.
Molecular consequence: missense variant. On other transcripts: non-coding transcript variant (1).
Genome position (GRCh38, 1-based): chr3:57,912,471, C>T. VCF-style: chr3-57912471-C-T. GRCh37 (hg19) VCF-style: chr3-57898198-C-T.
Other names: c.1739C>T, p.Ala580Val (NM_001304420.3, NM_001377541.1, NM_001377542.1); c.1625C>T, p.Ala542Val (NM_001304421.2, NM_001377557.1, NM_001377559.1); c.341C>T, p.Ala114Val (NM_001304422.3, NM_001311178.2); c.143C>T, p.Ala48Val (NM_001304423.3); c.218C>T, p.Ala73Val (NM_001311179.2, NM_001377926.1, NM_001377927.1 and 1 more transcripts); c.1811C>T, p.Ala604Val (NM_001377538.1); c.1790C>T, p.Ala597Val (NM_001377539.1); c.1727C>T, p.Ala576Val (NM_001377545.1); and 8 more; short protein forms A535V, A539V, A73V, A48V, A501V, A518V, A522V, A563V.
Identifiers: ClinVar variation 1778056 (VCV001778056.7), dbSNP rs754469455, ClinGen allele CA2467240.

ClinVar aggregate classification (germline): Uncertain significance. Review status: criteria provided, multiple submitters, no conflicts (2 of 4 stars). 2 submissions from 2 submitters: Uncertain significance (2). Last evaluated 2025-08-26.

Conditions:
Brugada syndrome. Also called: Sudden unexpected nocturnal death syndrome; Sudden unexplained nocturnal death syndrome; Sudden Unexplained Death Syndrome; Sudden Unexplained Nocturnal Death Syndrome (SUNDS). Identifiers: Orphanet 130, MedGen C1142166, MONDO:0015263.

Allele frequency attached by ClinVar (database versions not stated): ExAC 0.00002; TOPMed 0.00002; gnomAD exomes 0.00003.
gnomAD v4.1: 20 of 1,614,074 alleles (0.0012%); highest among the groups gnomAD compares: Admixed American, 0.025%; no homozygotes.

Submissions (2):

Labcorp Genetics (formerly Invitae), Labcorp
Classification: Uncertain significance for Brugada syndrome. Last evaluated: 2025-08-26. Review status: criteria provided, single submitter. Criteria: Invitae Variant Classification Sherloc (09022015). Collection method: clinical testing. Allele origin: germline.
Comment: This sequence change replaces alanine, which is neutral and non-polar, with valine, which is neutral and non-polar, at codon 563 of the SLMAP protein (p.Ala563Val). This variant is present in population databases (rs754469455, gnomAD 0.03%), and has an allele count higher than expected for a pathogenic variant. This variant has not been reported in the literature in individuals affected with SLMAP-related conditions. ClinVar contains an entry for this variant (Variation ID: 1778056). An algorithm developed to predict the effect of missense changes on protein structure and function (PolyPhen-2) suggests that this variant is likely to be disruptive. In summary, the available evidence is currently insufficient to determine the role of this variant in disease. Therefore, it has been classified as a Variant of Uncertain Significance.

Ambry Genetics
Classification: Uncertain significance. Last evaluated: 2023-12-11. Review status: criteria provided, single submitter. Criteria: Ambry Variant Classification Scheme 2023. Collection method: clinical testing. Allele origin: germline.
Comment: The p.A563V variant (also known as c.1688C>T), located in coding exon 17 of the SLMAP gene, results from a C to T substitution at nucleotide position 1688. The alanine at codon 563 is replaced by valine, an amino acid with similar properties. This amino acid position is conserved. In addition, the in silico prediction for this alteration is inconclusive. Since supporting evidence is limited at this time, the clinical significance of this alteration remains unclear.